The following is an entry in ClinVar:

ClinVar aggregate classification (germline): Uncertain significance. Review status: criteria provided, multiple submitters, no conflicts (2 of 4 stars). 2 submissions from 2 submitters: Uncertain significance (2). Last evaluated 2024-09-15.

Allele frequency attached by ClinVar (database versions not stated): gnomAD exomes 0.00002 and 0.00006; ExAC 0.00007; ESP Exome Variant Server 0.00008; TOPMed 0.00022; gnomAD 0.00029 and 0.00031.
gnomAD v4.1: 66 of 1,256,082 alleles (0.0053%); highest among the groups gnomAD compares: African/African-American, 0.084%; no homozygotes.

Submissions (2):

Women's Health and Genetics/Laboratory Corporation of America, LabCorp
Classification: Uncertain significance. Last evaluated: 2024-09-15. Review status: criteria provided, single submitter. Criteria: LabCorp Variant Classification Summary - May 2015. Collection method: clinical testing. Allele origin: germline.

Labcorp Genetics (formerly Invitae), Labcorp
Classification: Uncertain significance. Last evaluated: 2022-06-11. Review status: criteria provided, single submitter. Criteria: Invitae Variant Classification Sherloc (09022015). Collection method: clinical testing. Allele origin: germline.
Comment: This sequence change falls in intron 11 of the PLOD2 gene. It does not directly change the encoded amino acid sequence of the PLOD2 protein. It affects a nucleotide within the consensus splice site. This variant is present in population databases (rs372708761, gnomAD 0.09%). This variant has not been reported in the literature in individuals affected with PLOD2-related conditions. Variants that disrupt the consensus splice site are a relatively common cause of aberrant splicing (PMID: 17576681, 9536098). Algorithms developed to predict the effect of sequence changes on RNA splicing suggest that this variant is not likely to affect RNA splicing. In summary, the available evidence is currently insufficient to determine the role of this variant in disease. Therefore, it has been classified as a Variant of Uncertain Significance.

Literature cited by the submitters: PubMed 17576681 (cited by Labcorp Genetics (formerly Invitae), Labcorp); PubMed 9536098 (cited by Labcorp Genetics (formerly Invitae), Labcorp).

NM_182943.3(PLOD2):c.1232+5T>A

Gene: PLOD2 (procollagen-lysine,2-oxoglutarate 5-dioxygenase 2; minus strand). Cytogenetic location: 3q24.
Variant type: single nucleotide variant.
Coding change: c.1232+5T>A on transcript NM_182943.3 (MANE Select); 5 bases into the intron after coding-DNA position 1232, T replaced by A.
Molecular consequence: intron variant.
Genome position (GRCh38, 1-based): chr3:146,085,164, A>T on the plus strand (T>A on the coding strand, the complement: PLOD2 is on the minus strand). VCF-style: chr3-146085164-A-T. GRCh37 (hg19) VCF-style: chr3-145802951-A-T.
Other names: c.1232+5T>A (NM_000935.3).
Identifiers: ClinVar variation 1524773 (VCV001524773.4), dbSNP rs372708761, ClinGen allele CA2654963.